The following is an entry in ClinVar:

ClinVar aggregate classification (germline): Uncertain significance. Review status: criteria provided, multiple submitters, no conflicts (2 of 4 stars). 2 submissions from 2 submitters: Uncertain significance (2). Last evaluated 2025-05-18.

Allele frequency attached by ClinVar (database versions not stated): gnomAD 0.00026 and 0.00027; gnomAD exomes 0.00027 and 0.00041; TOPMed 0.00029; ExAC 0.00030; ESP Exome Variant Server 0.00054.
gnomAD v4.1: 624 of 1,611,466 alleles (0.039%); highest among the groups gnomAD compares: Non-Finnish European, 0.05%; no homozygotes.

Submissions (2):

Labcorp Genetics (formerly Invitae), Labcorp
Classification: Uncertain significance. Last evaluated: 2025-05-18. Review status: criteria provided, single submitter. Criteria: Invitae Variant Classification Sherloc (09022015). Collection method: clinical testing. Allele origin: germline.
Comment: This sequence change replaces threonine, which is neutral and polar, with isoleucine, which is neutral and non-polar, at codon 530 of the SULF1 protein (p.Thr530Ile). This variant is present in population databases (rs139600896, gnomAD 0.05%), and has an allele count higher than expected for a pathogenic variant. This variant has not been reported in the literature in individuals affected with SULF1-related conditions. ClinVar contains an entry for this variant (Variation ID: 1504736). An algorithm developed to predict the effect of missense changes on protein structure and function (PolyPhen-2) suggests that this variant is likely to be tolerated. In summary, the available evidence is currently insufficient to determine the role of this variant in disease. Therefore, it has been classified as a Variant of Uncertain Significance.

Ambry Genetics
Classification: Uncertain significance. Last evaluated: 2021-09-17. Review status: criteria provided, single submitter. Criteria: Ambry Variant Classification Scheme 2023. Collection method: clinical testing. Allele origin: germline.

NM_001128205.2(SULF1):c.1589C>T (p.Thr530Ile)

Gene: SULF1 (sulfatase 1; plus strand). Cytogenetic location: 8q13.3.
Variant type: single nucleotide variant.
Coding change: c.1589C>T on transcript NM_001128205.2 (MANE Select); coding-DNA position 1589, C replaced by T.
Protein change: p.Thr530Ile; replaces threonine 530 with isoleucine.
Molecular consequence: missense variant. On other transcripts: non-coding transcript variant (3).
Genome position (GRCh38, 1-based): chr8:69,621,246, C>T. VCF-style: chr8-69621246-C-T. GRCh37 (hg19) VCF-style: chr8-70533481-C-T.
Other names: c.1589C>T (NM_001128205.1); c.1589C>T, p.Thr530Ile (NM_001128204.2, NM_001128206.2, NM_015170.3); short protein forms T530I.
Identifiers: ClinVar variation 1504736 (VCV001504736.7), dbSNP rs139600896, ClinGen allele CA4775928.
Genomic context (GRCh38, chr8:69,621,246, plus strand): 5'-GTTACCGTGCCAGCAGAAGCCAAAGAAAGAGTCAACGGCAATTCTTGAGAAACCAGGGGA[C>T]TCCAAGTAAGCCACGCTTTTGTGACCATCTCAATGGTGGCCTAGGCCTGTGGGAATAAAC-3'
Protein context (NP_001121677.1, residues 520-540): SQRQFLRNQG[Thr530Ile]PKYKPRFVHT